The following is an entry in ClinVar:

NM_000256.3(MYBPC3):c.2491dup (p.His831fs)

Gene: MYBPC3 (myosin binding protein C3; minus strand). Cytogenetic location: 11p11.2.
Variant type: Duplication.
Coding change: c.2491dup on transcript NM_000256.3 (MANE Select); coding-DNA position 2491, one base duplicated (C; older notation c.2491dupC).
Protein change: p.His831fs; shifts the reading frame from histidine 831.
Molecular consequence: frameshift variant.
Genome position (GRCh38, 1-based): chr11:47,337,502, G duplicated on the plus strand (C on the coding strand, the reverse complement: MYBPC3 is on the minus strand). VCF-style (leftmost placement, unchanged base first): chr11-47337501-T-TG. GRCh37 (hg19) VCF-style: chr11-47359052-T-TG.
Other names: short protein forms H831fs.
Identifiers: ClinVar variation 5037803 (VCV005037803.1).
Genomic context (GRCh38, chr11:47,337,501, plus strand): 5'-GCGTTGACCGCGTAGACGCGCATCTCGTACACCACGCCCTCGATCATGCGCCGCGCTTCA[T>TG]GACTCAGCTCCTGAATCAGGTCGAAGTTCAGCCGCATCCACCGGTAGCTCTTCTTCTTCT-3'

ClinVar aggregate classification (germline): Likely pathogenic (1 of 4 stars; one submission).

Conditions:
Cardiovascular phenotype. Identifiers: MedGen CN230736.

Submission:

Molecular Diagnostic Laboratory for Inherited Cardiovascular Disease, Montreal Heart Institute
Classification: Likely pathogenic for Cardiovascular phenotype. Last evaluated: 2026-07-21. Review status: criteria provided, single submitter. Criteria: ACMG Guidelines, 2015. Collection method: clinical testing. Allele origin: germline. Affected: yes.
Comment: PVS1, PM2